The following is an entry in ClinVar:

NM_001378615.1(CC2D2A):c.4594_4624del (p.Leu1531_Pro1532insTer)

Genes: CC2D2A (coiled-coil and C2 domain containing 2A; plus strand), FBXL5 (F-box and leucine rich repeat protein 5; minus strand). Cytogenetic location: 4p15.32.
Variant type: Deletion.
Coding change: c.4594_4624del on transcript NM_001378615.1 (MANE Select); coding-DNA positions 4594 to 4624, 31 bases deleted.
Protein change: p.Leu1531_Pro1532insTer.
Molecular consequence: nonsense.
Genome position (GRCh38, 1-based): chr4:15,599,626-15,599,656, 31 bases deleted; deleting any 31 consecutive bases within chr4:15,599,624-15,599,656 gives the same sequence; the c. name uses the placement nearest the transcript's 3' end. GRCh37 (hg19): chr4:15,601,249-15,601,279.
Other names: c.4594_4624del, p.Leu1531_Pro1532insTer (NM_001080522.2); c.4447_4477del, p.Leu1482_Pro1483insTer (NM_001378617.1).
Identifiers: ClinVar variation 2944379 (VCV002944379.3), dbSNP rs2475157096, ClinGen allele CA2740091261.
Genomic context (GRCh38, chr4:15,599,623, plus strand): 5'-TGGAGGCCACGCCATCTGACTCGGTGGAATAGGTATTGTACCTCTACTCTGCGTCACTTC[TTGCCTCTGTTAGAAAAAAGTCAAGGAGAAGA>T]TGTAGAAGATGACCACAGAGCAGAACTGCTAAAACAGCTGGGAGACTACAGGGTAAGTTA-3'

ClinVar aggregate classification (germline): Pathogenic (1 of 4 stars; one submission).

Conditions:
Joubert syndrome. Also called: JOUBERT-BOLTSHAUSER SYNDROME; Familial aplasia of the vermis. Identifiers: Orphanet 475, MedGen C5979921, MONDO:0018772.
Meckel-Gruber syndrome. Also called: DYSENCEPHALIA SPLANCHNOCYSTICA; GRUBER SYNDROME; Dysencephalia splachnocystica. Identifiers: Orphanet 564, MedGen C0265215, MONDO:0018921.

Submission:

Labcorp Genetics (formerly Invitae), Labcorp
Classification: Pathogenic for Joubert syndrome; Meckel-Gruber syndrome. Last evaluated: 2023-02-16. Review status: criteria provided, single submitter. Criteria: Invitae Variant Classification Sherloc (09022015). Collection method: clinical testing. Allele origin: germline.
Comment: This sequence change creates a premature translational stop signal (p.Pro1532*) in the CC2D2A gene. It is expected to result in an absent or disrupted protein product. Loss-of-function variants in CC2D2A are known to be pathogenic (PMID: 19777577). This variant is not present in population databases (gnomAD no frequency). This variant has not been reported in the literature in individuals affected with CC2D2A-related conditions. For these reasons, this variant has been classified as Pathogenic.

Literature cited by the submitters: PubMed 19777577.